The following is an entry in ClinVar:

NM_001142800.2(EYS):c.8143C>T (p.Arg2715Ter)

Gene: EYS (EGF-like photoreceptor maintenance factor; minus strand). Cytogenetic location: 6q12.
Variant type: single nucleotide variant.
Coding change: c.8143C>T on transcript NM_001142800.2 (MANE Select); coding-DNA position 8143, C replaced by T.
Protein change: p.Arg2715Ter; replaces arginine 2715 with a stop codon.
Molecular consequence: nonsense.
Genome position (GRCh38, 1-based): chr6:63,726,609, G>A on the plus strand (C>T on the coding strand, the complement: EYS is on the minus strand). VCF-style: chr6-63726609-G-A. GRCh37 (hg19) VCF-style: chr6-64436502-G-A.
Other names: c.8206C>T, p.Arg2736Ter (NM_001292009.2); short protein forms R2736*, R2715*.
Identifiers: ClinVar variation 836619 (VCV000836619.11), dbSNP rs1299355731, ClinGen allele CA364386174.

ClinVar aggregate classification (germline): Pathogenic/Likely pathogenic. Review status: criteria provided, multiple submitters, no conflicts (2 of 4 stars). 4 submissions from 4 submitters: Pathogenic (3); Likely pathogenic (1). Last evaluated 2025-10-10.

Conditions:
Retinal dystrophy. Also called: Inherited retinal dystrophy. Identifiers: Orphanet 71862, MedGen C0854723, MeSH D058499, MONDO:0019118, HP:0000556.
Retinitis pigmentosa 25 (RP25). Identifiers: Orphanet 791, MedGen C1864446, MONDO:0011272, OMIM 602772.

Allele frequency attached by ClinVar (database versions not stated): gnomAD 0.00001; TOPMed 0.00001; gnomAD exomes 0.00002.
gnomAD v4.1: 13 of 1,550,712 alleles (0.00084%); highest among the groups gnomAD compares: African/African-American, 0.0055%; no homozygotes.

Submissions (4):

Natera, Inc.
Classification: Pathogenic for Retinitis pigmentosa type 25. Last evaluated: 2025-10-10. Review status: criteria provided, single submitter. Criteria: Natera Variant Classification Schema (03/2026). Collection method: clinical testing. Allele origin: germline.
Comment: The c.8143C>T variant in EYS is a nonsense variant predicted to introduce a stop codon at amino acid 2715. This variant is expected to result in nonsense mediated decay, truncation, or a dysfunctional protein product. This variant is rare in the general population with a frequency below the threshold expected for the associated phenotype(s). This variant has been observed in one or more individuals affected with the associated recessive disease, as either homozygous or compound heterozygous with a second variant (PMID: 33090715). Given the available evidence, this variant is classified as Pathogenic.

Baylor Genetics
Classification: Likely pathogenic for Retinitis pigmentosa 25. Last evaluated: 2024-02-06. Review status: criteria provided, single submitter. Criteria: ACMG Guidelines, 2015. Collection method: clinical testing. Allele origin: unknown.

Labcorp Genetics (formerly Invitae), Labcorp
Classification: Pathogenic. Last evaluated: 2023-10-05. Review status: criteria provided, single submitter. Criteria: Invitae Variant Classification Sherloc (09022015). Collection method: clinical testing. Allele origin: germline.
Comment: This sequence change creates a premature translational stop signal (p.Arg2715*) in the EYS gene. It is expected to result in an absent or disrupted protein product. Loss-of-function variants in EYS are known to be pathogenic (PMID: 18836446, 20333770). This variant is present in population databases (no rsID available, gnomAD 0.01%). This variant has not been reported in the literature in individuals affected with EYS-related conditions. ClinVar contains an entry for this variant (Variation ID: 836619). For these reasons, this variant has been classified as Pathogenic.

Dept Of Ophthalmology, Nagoya University
Classification: Pathogenic for Retinal dystrophy. Last evaluated: 2023-10-01. Review status: criteria provided, single submitter. Criteria: Submitter's publication. Collection method: research. Allele origin: germline. Affected: yes.

Literature cited by the submitters: PubMed 33090715 (cited by Natera, Inc.); PubMed 18836446 (cited by Labcorp Genetics (formerly Invitae), Labcorp); PubMed 20333770 (cited by Labcorp Genetics (formerly Invitae), Labcorp).